The following is an entry in ClinVar:

ClinVar aggregate classification (germline): Uncertain significance (1 of 4 stars; one submission).

Submission:

GeneDx
Classification: Uncertain significance. Last evaluated: 2024-01-02. Review status: criteria provided, single submitter. Criteria: GeneDx Variant Classification Process June 2021. Collection method: clinical testing. Allele origin: germline. Affected: yes.
Comment: Not observed at significant frequency in large population cohorts (gnomAD); In silico analysis supports that this variant does not alter splicing; Has not been previously published as pathogenic or benign to our knowledge

NM_177438.3(DICER1):c.3093G>A (p.Gln1031=)

Gene: DICER1 (dicer 1, ribonuclease III; minus strand). Cytogenetic location: 14q32.13.
Variant type: single nucleotide variant.
Coding change: c.3093G>A on transcript NM_177438.3 (MANE Select); coding-DNA position 3093, G replaced by A.
Protein change: p.Gln1031=; no amino-acid change (glutamine 1031 retained).
Molecular consequence: synonymous variant. On other transcripts: non-coding transcript variant (6).
Genome position (GRCh38, 1-based): chr14:95,105,678, C>T on the plus strand (G>A on the coding strand, the complement: DICER1 is on the minus strand). VCF-style: chr14-95105678-C-T. GRCh37 (hg19) VCF-style: chr14-95572015-C-T.
Other names: c.3093G>A, p.Gln1031= (NM_001195573.1, NM_001271282.3, NM_001291628.2 and 12 more transcripts); c.2811G>A, p.Gln937= (NM_001395686.1); c.2688G>A, p.Gln896= (NM_001395687.1, NM_001395688.1, NM_001395689.1 and 2 more transcripts); c.2526G>A, p.Gln842= (NM_001395691.1); c.1410G>A, p.Gln470= (NM_001395697.1).
Identifiers: ClinVar variation 3367471 (VCV003367471.1).
Genomic context (GRCh38, chr14:95,105,678, plus strand): 5'-TTTAATAATCTTTAATACTCAAACAAATACTAAGTTATGCTAGTACAATTAACTCATTAC[C>T]TGTTTATTCTGCAGACTTTCCCATTTGGCTTTCCTCTTCTCAGCACTGCTTAAAGGAAGC-3'
Protein context (NP_803187.1, residues 1021-1041): KAKWESLQNK[Gln1031=]ILVPELCAIH